The following is an entry in ClinVar:

NM_002599.5(PDE2A):c.1341G>C (p.Gly447=)

Genes: PDE2A (phosphodiesterase 2A; minus strand), PDE2A-AS2 (PDE2A antisense RNA 2; plus strand). Cytogenetic location: 11q13.4.
Variant type: single nucleotide variant.
Coding change: c.1341G>C on transcript NM_002599.5 (MANE Select); coding-DNA position 1341, G replaced by C.
Protein change: p.Gly447=; no amino-acid change (glycine 447 retained).
Molecular consequence: synonymous variant.
Genome position (GRCh38, 1-based): chr11:72,584,890, C>G on the plus strand (G>C on the coding strand, the complement: PDE2A is on the minus strand). VCF-style: chr11-72584890-C-G. GRCh37 (hg19) VCF-style: chr11-72295934-C-G.
Other names: c.1320G>C, p.Gly440= (NM_001143839.4); c.1314G>C, p.Gly438= (NM_001146209.3); c.1278G>C, p.Gly426= (NM_001243784.2).
Identifiers: ClinVar variation 1594977 (VCV001594977.33), dbSNP rs201194860, ClinGen allele CA6172222.

ClinVar aggregate classification (germline): Likely benign. Review status: criteria provided, multiple submitters, no conflicts (2 of 4 stars). 2 submissions from 2 submitters: Likely benign (2). Last evaluated 2025-06-04.

Allele frequency attached by ClinVar (database versions not stated): gnomAD exomes 0.00018; 1000 Genomes Project 0.00020; ExAC 0.00020; ESP Exome Variant Server 0.00023; 1000 Genomes Project 30x 0.00016; TOPMed 0.00017.
gnomAD v4.1: 383 of 1,614,202 alleles (0.024%); highest among the groups gnomAD compares: Non-Finnish European, 0.031%; no homozygotes.

Submissions (2):

Labcorp Genetics (formerly Invitae), Labcorp
Classification: Likely benign. Last evaluated: 2025-06-04. Review status: criteria provided, single submitter. Criteria: Invitae Variant Classification Sherloc (09022015). Collection method: clinical testing. Allele origin: germline.

CeGaT Center for Human Genetics Tuebingen
Classification: Likely benign. Last evaluated: 2023-03-01. Review status: criteria provided, single submitter. Criteria: CeGaT Center For Human Genetics Tuebingen Variant Classification Criteria Version 2. Collection method: clinical testing. Allele origin: germline. Affected: yes. Observed: 1 variant allele.
Comment: PDE2A: BP4, BP7